The following is an entry in ClinVar:

ClinVar aggregate classification (germline): Likely benign. Review status: criteria provided, multiple submitters, no conflicts (2 of 4 stars). 2 submissions from 2 submitters: Likely benign (2). Last evaluated 2025-05-19.

Conditions:
Early-infantile DEE. Also called: Ohtahara syndrome; Early infantile epileptic encephalopathy; Early infantile epileptic encephalopathy with suppression bursts. Identifiers: Orphanet 1934, MedGen C0393706, MONDO:0800491.

Allele frequency attached by ClinVar (database versions not stated): gnomAD 0.00001; gnomAD exomes 0.00001; TOPMed 0.00001.
gnomAD v4.1: 11 of 1,613,388 alleles (0.00068%); highest among the groups gnomAD compares: Middle Eastern, 0.066%; no homozygotes.

Submissions (2):

Labcorp Genetics (formerly Invitae), Labcorp
Classification: Likely benign for Early-infantile DEE. Last evaluated: 2025-05-19. Review status: criteria provided, single submitter. Criteria: Invitae Variant Classification Sherloc (09022015). Collection method: clinical testing. Allele origin: germline.

GeneDx
Classification: Likely benign. Last evaluated: 2016-05-25. Review status: criteria provided, single submitter. Criteria: GeneDx Variant Classification (06012015). Collection method: clinical testing. Allele origin: germline. Affected: yes.
Comment: This variant is considered likely benign or benign based on one or more of the following criteria: it is a conservative change, it occurs at a poorly conserved position in the protein, it is predicted to be benign by multiple in silico algorithms, and/or has population frequency not consistent with disease.

NM_001130438.3(SPTAN1):c.652-5T>C

Gene: SPTAN1 (spectrin alpha, non-erythrocytic 1; plus strand). Cytogenetic location: 9q34.11.
Variant type: single nucleotide variant.
Coding change: c.652-5T>C on transcript NM_001130438.3 (MANE Select); 5 bases into the intron before coding-DNA position 652, T replaced by C.
Molecular consequence: intron variant.
Genome position (GRCh38, 1-based): chr9:128,576,818, T>C. VCF-style: chr9-128576818-T-C. GRCh37 (hg19) VCF-style: chr9-131339097-T-C.
Other names: c.652-5T>C (NM_001363759.2, NM_003127.4, NM_001363765.2 and 1 more transcripts).
Identifiers: ClinVar variation 386252 (VCV000386252.10), dbSNP rs1029752624, ClinGen allele CA16606246.